The following is an entry in ClinVar:

ClinVar aggregate classification (germline): Uncertain significance (1 of 4 stars; one submission).

gnomAD v4.1: 442 of 850,100 alleles (0.052%); highest among the groups gnomAD compares: Non-Finnish European, 0.071%; no homozygotes.

Submission:

Dasa
Classification: Uncertain significance. Last evaluated: 2025-12-15. Review status: criteria provided, single submitter. Criteria: DASA Assertion Criteria. Collection method: clinical testing. Allele origin: germline.
Comment: NM_004357.5(CD151):c.616-140C>A is an intronic variant. This variant is rare in population databases. The currently available literature and clinical evidence are not sufficient to establish a definitive association between this variant and the reported condition. Therefore, this variant is classified as a variant of uncertain significance.

NM_004357.5(CD151):c.616-140C>A

Gene: CD151 (CD151 molecule (Raph blood group); plus strand). Cytogenetic location: 11p15.5.
Variant type: single nucleotide variant.
Coding change: c.616-140C>A on transcript NM_004357.5 (MANE Select); 140 bases into the intron before coding-DNA position 616, C replaced by A.
Molecular consequence: intron variant.
Genome position (GRCh38, 1-based): chr11:837,802, C>A. VCF-style: chr11-837802-C-A. GRCh37 (hg19) VCF-style: chr11-837802-C-A.
Other names: c.616-140C>A (NM_139030.4, NM_139029.2, NM_001039490.2).
Identifiers: ClinVar variation 4880877 (VCV004880877.2).
Genomic context (GRCh38, chr11:837,802, plus strand): 5'-GGCCGGATGTGGGCAGTGAGACCACACCTCCAATATCTACGAGGAAGTGGGTGGGCAGCC[C>A]AGTGGCTGGCTGAGCTGTTGGTGGCCTGGCTGCCTAGGTGCTAGGGGTGGGTTTGGCCAC-3'